The following is an entry in ClinVar:

ClinVar aggregate classification (germline): Uncertain significance (1 of 4 stars; one submission).

Conditions:
Congenital heart defects, multiple types, 7. Identifiers: MedGen C5394062, MONDO:0032913, OMIM 618780.
Hereditary lymphedema type I (LMPHM1). Also called: Nonne-Milroy disease; Congenital hereditary lymphedema; Early onset lymphedema; Hereditary lymphedema 1; Primary congenital lymphedema; Meige's disease. Identifiers: Orphanet 79452, MedGen C1704423, MONDO:0007919, OMIM 153100.
Capillary infantile hemangioma. Also called: HEMANGIOMA, HEREDITARY CAPILLARY; Hereditary capillary infantile hemangioma; Hemangioma, capillary infantile, somatic. Identifiers: MedGen C1865871, MONDO:0011191, OMIM 602089.

Submission:

Juno Genomics, Hangzhou Juno Genomics, Inc
Classification: Uncertain significance for Congenital heart defects, multiple types, 7; Capillary infantile hemangioma; Hereditary lymphedema type I. Review status: criteria provided, single submitter. Criteria: ACMG Guidelines, 2015. Collection method: clinical testing. Allele origin: germline.
Comment: Absent from controls (or at extremely low frequency if recessive) in Genome Aggregation Database.;Multiple lines of computational evidence support a deleterious effect on the gene or gene product.

NM_182925.5(FLT4):c.3830T>A (p.Met1277Lys)

Gene: FLT4 (fms related receptor tyrosine kinase 4; minus strand). Cytogenetic location: 5q35.3.
Variant type: single nucleotide variant.
Coding change: c.3830T>A on transcript NM_182925.5 (MANE Select); coding-DNA position 3830, T replaced by A.
Protein change: p.Met1277Lys; replaces methionine 1277 with lysine.
Molecular consequence: missense variant.
Genome position (GRCh38, 1-based): chr5:180,609,031, A>T on the plus strand (T>A on the coding strand, the complement: FLT4 is on the minus strand). VCF-style: chr5-180609031-A-T. GRCh37 (hg19) VCF-style: chr5-180036031-A-T.
Other names: c.3830T>A, p.Met1277Lys (NM_001354989.2, NM_002020.5); short protein forms M1277K.
Identifiers: ClinVar variation 5006880 (VCV005006880.2).
Genomic context (GRCh38, chr5:180,609,031, plus strand): 5'-AAGCCGCTTTCTTGTCTATGCCTGCTCTCTATCTGCTCAAACTCCTCCGAGGCCAGCACC[A>T]TCCCACTGTCTGTCTGGTTGTCCTGTGTGGAGAGGACAAGCCAGGCTGTGGGTCCCGCCT-3'
Protein context (NP_891555.2, residues 1267-1287): GSVDNQTDSG[Met1277Lys]VLASEEFEQI